The following is an entry in ClinVar:

NM_002838.5(PTPRC):c.311T>C (p.Val104Ala)

Gene: PTPRC (protein tyrosine phosphatase receptor type C; plus strand). Cytogenetic location: 1q31.3.
Variant type: single nucleotide variant.
Coding change: c.311T>C on transcript NM_002838.5 (MANE Select); coding-DNA position 311, T replaced by C.
Protein change: p.Val104Ala; replaces valine 104 with alanine.
Molecular consequence: missense variant. On other transcripts: intron variant (1).
Genome position (GRCh38, 1-based): chr1:198,699,576, T>C. VCF-style: chr1-198699576-T-C. GRCh37 (hg19) VCF-style: chr1-198668705-T-C.
Other names: c.101-3722T>C (NM_080921.4); short protein forms V104A.
Identifiers: ClinVar variation 1429472 (VCV001429472.8), dbSNP rs2102393196, ClinGen allele CA344097137.

ClinVar aggregate classification (germline): Uncertain significance (1 of 4 stars; one submission).

Conditions:
Immunodeficiency 104. Also called: IMMUNODEFICIENCY 104, SEVERE COMBINED; SCID, AUTOSOMAL RECESSIVE, T CELL-NEGATIVE, B CELL-POSITIVE, NK CELL-POSITIVE; Severe Combined Immune Deficiency, Autosomal Recessive, TCell -Negative, B Cell-Positive, NK Cell-Positive, IL7R-Related; Severe combined immunodeficiency, autosomal recessive, T cell-negative, B cell-positive, NK cell-positive. Identifiers: MedGen C5676890, MONDO:0012163, OMIM 608971.

Submission:

Labcorp Genetics (formerly Invitae), Labcorp
Classification: Uncertain significance for Immunodeficiency 104. Last evaluated: 2021-05-04. Review status: criteria provided, single submitter. Criteria: Invitae Variant Classification Sherloc (09022015). Collection method: clinical testing. Allele origin: germline.
Comment: This variant has not been reported in the literature in individuals with PTPRC-related conditions. Algorithms developed to predict the effect of missense changes on protein structure and function output the following: SIFT: "Tolerated"; PolyPhen-2: "Benign"; Align-GVGD: "Class C0". The alanine amino acid residue is found in multiple mammalian species, suggesting that this missense change does not adversely affect protein function. These predictions have not been confirmed by published functional studies and their clinical significance is uncertain. In summary, the available evidence is currently insufficient to determine the role of this variant in disease. Therefore, it has been classified as a Variant of Uncertain Significance. This sequence change replaces valine with alanine at codon 104 of the PTPRC protein (p.Val104Ala). The valine residue is weakly conserved and there is a small physicochemical difference between valine and alanine. This variant is not present in population databases (ExAC no frequency).